The following is an entry in ClinVar:

NM_000051.4(ATM):c.381dup (p.Val128fs)

Gene: ATM (ATM serine/threonine kinase; plus strand). Cytogenetic location: 11q22.3.
Variant type: Duplication.
Coding change: c.381dup on transcript NM_000051.4 (MANE Select); coding-DNA position 381, one base duplicated (A; older notation c.381dupA).
Protein change: p.Val128fs; shifts the reading frame from valine 128.
Molecular consequence: frameshift variant.
Genome position (GRCh38, 1-based): chr11:108,235,719, A duplicated. VCF-style (leftmost placement, unchanged base first): chr11-108235718-C-CA. GRCh37 (hg19) VCF-style: chr11-108106445-C-CA.
Other names: c.381dup, p.Val128fs (NM_001351834.2); c.381dupA (NM_000051.3); short protein forms V128fs.
Identifiers: ClinVar variation 4825508 (VCV004825508.1).
Genomic context (GRCh38, chr11:108,235,718, plus strand): 5'-ATTTTGAAATAGGAGCACCTAGGCTAAAATGTCAAGAACTCTTAAATTATATCATGGATA[C>CA]AGTGAAAGATTCATCTAATGGTGCTATTTACGGAGCTGATTGTAGCAACATACTACTCAA-3'

ClinVar aggregate classification (germline): Pathogenic (1 of 4 stars; one submission).

Conditions:
Hereditary cancer-predisposing syndrome. Also called: Neoplastic Syndromes, Hereditary; Tumor predisposition; Hereditary Cancer Syndrome; Hereditary neoplastic syndrome. Identifiers: Orphanet 140162, MedGen C0027672, MeSH D009386, MONDO:0015356.

Submission:

Ambry Genetics
Classification: Pathogenic for Hereditary cancer-predisposing syndrome. Last evaluated: 2026-01-27. Review status: criteria provided, single submitter. Criteria: Ambry Variant Classification Scheme 2023. Collection method: clinical testing. Allele origin: germline.
Comment: The c.381dupA pathogenic mutation, located in coding exon 4 of the ATM gene, results from a duplication of A at nucleotide position 381, causing a translational frameshift with a predicted alternate stop codon (p.V128Sfs*6). This variant is considered to be rare based on population cohorts in the Genome Aggregation Database (gnomAD). This alteration is expected to result in loss of function by premature protein truncation or nonsense-mediated mRNA decay. As such, this alteration is interpreted as a disease-causing mutation.